The following is an entry in ClinVar:

ClinVar aggregate classification (germline): Uncertain significance (1 of 4 stars; one submission).

gnomAD v4.1: 6 of 1,613,618 alleles (0.00037%); highest among the groups gnomAD compares: South Asian, 0.0033%; no homozygotes.

Submission:

GeneDx
Classification: Uncertain significance. Last evaluated: 2022-12-23. Review status: criteria provided, single submitter. Criteria: GeneDx Variant Classification Process June 2021. Collection method: clinical testing. Allele origin: germline. Affected: yes.
Comment: Not observed at significant frequency in large population cohorts (gnomAD); In silico analysis supports that this missense variant does not alter protein structure/function; Has not been previously published as pathogenic or benign to our knowledge

NM_017433.5(MYO3A):c.2737C>T (p.Arg913Cys)

Gene: MYO3A (myosin IIIA; plus strand). Cytogenetic location: 10p12.1.
Variant type: single nucleotide variant.
Coding change: c.2737C>T on transcript NM_017433.5 (MANE Select); coding-DNA position 2737, C replaced by T.
Protein change: p.Arg913Cys; replaces arginine 913 with cysteine.
Molecular consequence: missense variant.
Genome position (GRCh38, 1-based): chr10:26,154,767, C>T. VCF-style: chr10-26154767-C-T. GRCh37 (hg19) VCF-style: chr10-26443696-C-T.
Other names: short protein forms R913C.
Identifiers: ClinVar variation 2506863 (VCV002506863.1), dbSNP rs550530253, ClinGen allele CA376335526.
Genomic context (GRCh38, chr10:26,154,767, plus strand): 5'-TAGATACCAAGGCATCACTGTCTTCCTTGGTCTCCTTAGGGCGACACTGGAGAAGCCACA[C>T]GTCATGCCAGAGAGACAACCAACATGAAAACACAAACGGTTGCATCATATTTTAGAGTAA-3'
Protein context (NP_059129.3, residues 903-923): LAKGDTGEAT[Arg913Cys]HARETTNMKT